The following is an entry in ClinVar:

ClinVar aggregate classification (germline): Uncertain significance (1 of 4 stars; one submission).

Submission:

GeneDx
Classification: Uncertain significance. Last evaluated: 2025-04-09. Review status: criteria provided, single submitter. Criteria: GeneDx Variant Classification Process June 2021. Collection method: clinical testing. Allele origin: germline. Affected: yes.
Comment: Not observed at significant frequency in large population cohorts (gnomAD); In silico analysis supports that this missense variant has a deleterious effect on protein structure/function; Has not been previously published as pathogenic or benign to our knowledge

NM_004789.4(LHX2):c.968G>T (p.Arg323Leu)

Gene: LHX2 (LIM homeobox 2; plus strand). Cytogenetic location: 9q33.3.
Variant type: single nucleotide variant.
Coding change: c.968G>T on transcript NM_004789.4 (MANE Select); coding-DNA position 968, G replaced by T.
Protein change: p.Arg323Leu; replaces arginine 323 with leucine.
Molecular consequence: missense variant.
Genome position (GRCh38, 1-based): chr9:124,032,454, G>T. VCF-style: chr9-124032454-G-T. GRCh37 (hg19) VCF-style: chr9-126794733-G-T.
Other names: short protein forms R323L.
Identifiers: ClinVar variation 4282034 (VCV004282034.1).